The following is an entry in ClinVar:

ClinVar aggregate classification (germline): Uncertain significance (1 of 4 stars; one submission).

Submission:

Labcorp Genetics (formerly Invitae), Labcorp
Classification: Uncertain significance. Last evaluated: 2022-10-27. Review status: criteria provided, single submitter. Criteria: Invitae Variant Classification Sherloc (09022015). Collection method: clinical testing. Allele origin: germline.
Comment: Advanced modeling of protein sequence and biophysical properties (such as structural, functional, and spatial information, amino acid conservation, physicochemical variation, residue mobility, and thermodynamic stability) performed at Invitae indicates that this missense variant is not expected to disrupt YWHAG protein function. In summary, the available evidence is currently insufficient to determine the role of this variant in disease. Therefore, it has been classified as a Variant of Uncertain Significance. ClinVar contains an entry for this variant (Variation ID: 1536619). This variant has not been reported in the literature in individuals affected with YWHAG-related conditions. This variant is not present in population databases (gnomAD no frequency). This sequence change replaces lysine, which is basic and polar, with arginine, which is basic and polar, at codon 152 of the YWHAG protein (p.Lys152Arg).

NM_012479.4(YWHAG):c.455A>G (p.Lys152Arg)

Gene: YWHAG (tyrosine 3-monooxygenase/tryptophan 5-monooxygenase activation protein gamma; minus strand). Cytogenetic location: 7q11.23.
Variant type: single nucleotide variant.
Coding change: c.455A>G on transcript NM_012479.4 (MANE Select); coding-DNA position 455, A replaced by G.
Protein change: p.Lys152Arg; replaces lysine 152 with arginine.
Molecular consequence: missense variant.
Genome position (GRCh38, 1-based): chr7:76,329,866, T>C on the plus strand (A>G on the coding strand, the complement: YWHAG is on the minus strand). VCF-style: chr7-76329866-T-C. GRCh37 (hg19) VCF-style: chr7-75959183-T-C.
Other names: short protein forms K152R.
Identifiers: ClinVar variation 1536619 (VCV001536619.8), dbSNP rs2115588284, ClinGen allele CA367777114.